The following is an entry in ClinVar:

NM_016628.5(WAC):c.658del (p.Ile220fs)

Gene: WAC (WW domain containing adaptor with coiled-coil; plus strand). Cytogenetic location: 10p12.1.
Variant type: Deletion.
Coding change: c.658del on transcript NM_016628.5 (MANE Select); coding-DNA position 658, one base deleted (A; older notation c.658delA).
Protein change: p.Ile220fs; shifts the reading frame from isoleucine 220.
Molecular consequence: frameshift variant. On other transcripts: intron variant (1).
Genome position (GRCh38, 1-based): chr10:28,595,780, A deleted. VCF-style (leftmost placement, unchanged base first): chr10-28595779-TA-T. GRCh37 (hg19) VCF-style: chr10-28884708-TA-T.
Other names: c.658delA (NM_016628.4); c.523del, p.Ile175fs (NM_100264.3); c.610+4948del (NM_100486.4); short protein forms I220fs, I175fs.
Identifiers: ClinVar variation 421041 (VCV000421041.4), dbSNP rs1064794867, ClinGen allele CA16618952.

ClinVar aggregate classification (germline): Pathogenic (1 of 4 stars; one submission).

Submission:

GeneDx
Classification: Pathogenic. Last evaluated: 2019-11-29. Review status: criteria provided, single submitter. Criteria: GeneDx Variant Classification Process June 2021. Collection method: clinical testing. Allele origin: germline. Affected: yes.
Comment: Has not been previously published as pathogenic or benign to our knowledge; Frameshift variant predicted to result in protein truncation or nonsense mediated decay in a gene for which loss-of-function is a known mechanism of disease; Not observed in large population cohorts (Lek et al., 2016)